The following is an entry in ClinVar:

ClinVar aggregate classification (germline): Pathogenic. Review status: criteria provided, multiple submitters, no conflicts (2 of 4 stars). 2 submissions from 2 submitters: Pathogenic (2). Last evaluated 2025-03-31.

Conditions:
CEP290-related ciliopathy. Also called: CEP290 ciliopathy. Identifiers: MedGen CN305601, MONDO:0100451.
Meckel-Gruber syndrome. Also called: DYSENCEPHALIA SPLANCHNOCYSTICA; GRUBER SYNDROME; Dysencephalia splachnocystica. Identifiers: Orphanet 564, MedGen C0265215, MONDO:0018921.
Joubert syndrome. Also called: JOUBERT-BOLTSHAUSER SYNDROME; Familial aplasia of the vermis. Identifiers: Orphanet 475, MedGen C5979921, MONDO:0018772.
Nephronophthisis. Also called: Juvenile Nephronophthisis. Identifiers: Orphanet 655, MedGen C0687120, MONDO:0019005, HP:0000090.

Submissions (2):

Labcorp Genetics (formerly Invitae), Labcorp
Classification: Pathogenic for Joubert syndrome; Meckel-Gruber syndrome; Nephronophthisis. Last evaluated: 2025-03-31. Review status: criteria provided, single submitter. Criteria: Invitae Variant Classification Sherloc (09022015). Collection method: clinical testing. Allele origin: germline.
Comment: This sequence change creates a premature translational stop signal (p.Gln2059*) in the CEP290 gene. It is expected to result in an absent or disrupted protein product. Loss-of-function variants in CEP290 are known to be pathogenic (PMID: 16909394, 17345604, 20690115). This variant is not present in population databases (gnomAD no frequency). This variant has not been reported in the literature in individuals affected with CEP290-related conditions. ClinVar contains an entry for this variant (Variation ID: 2924743). Algorithms developed to predict the effect of sequence changes on RNA splicing suggest that this variant may disrupt the consensus splice site. For these reasons, this variant has been classified as Pathogenic.

Myriad Genetics, Inc.
Classification: Pathogenic for CEP290-related ciliopathy. Last evaluated: 2024-07-04. Review status: criteria provided, single submitter. Criteria: Myriad Autosomal Dominant, Autosomal Recessive and X-Linked Classification Criteria (2023). Collection method: clinical testing. Allele origin: unknown.
Comment: NM_025114.3(CEP290):c.6175C>T(Q2059*) is expected to be pathogenic in the context of CEP290-related disorders. This variant is predicted to lead to an abnormal or absent protein product due to the creation of a premature termination codon in CEP290, a gene where loss-of-function variants are known to be pathogenic. Please note: this variant was assessed in the context of healthy population screening.

Literature cited by the submitters: PubMed 16909394 (cited by Labcorp Genetics (formerly Invitae), Labcorp); PubMed 17345604 (cited by Labcorp Genetics (formerly Invitae), Labcorp); PubMed 20690115 (cited by Labcorp Genetics (formerly Invitae), Labcorp).

NM_025114.4(CEP290):c.6175C>T (p.Gln2059Ter)

Gene: CEP290 (centrosomal protein 290; minus strand). Cytogenetic location: 12q21.32.
Variant type: single nucleotide variant.
Coding change: c.6175C>T on transcript NM_025114.4 (MANE Select); coding-DNA position 6175, C replaced by T.
Protein change: p.Gln2059Ter; replaces glutamine 2059 with a stop codon.
Molecular consequence: nonsense.
Genome position (GRCh38, 1-based): chr12:88,064,076, G>A on the plus strand (C>T on the coding strand, the complement: CEP290 is on the minus strand). VCF-style: chr12-88064076-G-A. GRCh37 (hg19) VCF-style: chr12-88457853-G-A.
Other names: short protein forms Q2059*.
Identifiers: ClinVar variation 2924743 (VCV002924743.4), dbSNP rs2499619599, ClinGen allele CA385979875.
Genomic context (GRCh38, chr12:88,064,076, plus strand): 5'-GCTGAAATTTCAGTTCAATATTTTCAGATGACAACTTCAAGTTTTCCTTCTGAAGCTCCT[G>A]TTCTCTCTGACAATGATCATCTGACTCTATTCCTGAAATCTTCAGGGAAATGAAATTAGG-3'